The following is an entry in ClinVar:

NM_170707.4(LMNA):c.1003del (p.Arg335fs)

Gene: LMNA (lamin A/C; plus strand). Cytogenetic location: 1q22.
Variant type: Deletion.
Coding change: c.1003del on transcript NM_170707.4 (MANE Select); coding-DNA position 1003, one base deleted (C; older notation c.1003delC).
Protein change: p.Arg335fs; shifts the reading frame from arginine 335.
Molecular consequence: frameshift variant.
Genome position (GRCh38, 1-based): chr1:156,135,967, C deleted; the last of 2 consecutive C bases (chr1:156,135,966-156,135,967); deleting either gives the same sequence. VCF-style (leftmost placement, unchanged base first): chr1-156135965-GC-G. GRCh37 (hg19) VCF-style: chr1-156105756-GC-G.
Other names: c.667del, p.Arg223fs (NM_001257374.3); c.760del, p.Arg254fs (NM_001282624.2); c.1003del, p.Arg335fs (NM_001282625.2, NM_001282626.2, NM_005572.4 and 1 more transcripts); short protein forms R254fs, R223fs, R335fs.
Identifiers: ClinVar variation 476818 (VCV000476818.13), dbSNP rs1553265660, ClinGen allele CA658656964.
Genomic context (GRCh38, chr1:156,135,965, plus strand): 5'-CAGCCAAGGAGGCGAAGCTTCGAGACCTGGAGGACTCACTGGCCCGTGAGCGGGACACCA[GC>G]CGGCGGCTGCTGGCGGAAAAGGAGCGGGAGATGGCCGAGATGCGGGCAAGGATGCAGCAG-3'

ClinVar aggregate classification (germline): Pathogenic. Review status: criteria provided, multiple submitters, no conflicts (2 of 4 stars). 2 submissions from 2 submitters: Pathogenic (2). Last evaluated 2023-06-22.

Conditions:
Cardiovascular phenotype. Identifiers: MedGen CN230736.
Charcot-Marie-Tooth disease type 2. Also called: Charcot-Marie-Tooth type 2. Identifiers: Orphanet 64746, MedGen C0270914, MONDO:0018993.

Submissions (2):

Ambry Genetics
Classification: Pathogenic for Cardiovascular phenotype. Last evaluated: 2023-06-22. Review status: criteria provided, single submitter. Criteria: Ambry Variant Classification Scheme 2023. Collection method: clinical testing. Allele origin: germline.
Comment: The c.1003delC pathogenic mutation, located in coding exon 6 of the LMNA gene, results from a deletion of one nucleotide at nucleotide position 1003, causing a translational frameshift with a predicted alternate stop codon (p.R335Gfs*145). This variant is considered to be rare based on population cohorts in the Genome Aggregation Database (gnomAD). This alteration is expected to result in loss of function by premature protein truncation or nonsense-mediated mRNA decay. As such, this alteration is interpreted as a disease-causing mutation.

Labcorp Genetics (formerly Invitae), Labcorp
Classification: Pathogenic for Charcot-Marie-Tooth disease type 2. Last evaluated: 2023-05-09. Review status: criteria provided, single submitter. Criteria: Invitae Variant Classification Sherloc (09022015). Collection method: clinical testing. Allele origin: germline.
Comment: This sequence change creates a premature translational stop signal (p.Arg335Glyfs*145) in the LMNA gene. It is expected to result in an absent or disrupted protein product. Loss-of-function variants in LMNA are known to be pathogenic (PMID: 18585512, 18926329). For these reasons, this variant has been classified as Pathogenic. ClinVar contains an entry for this variant (Variation ID: 476818). This variant has not been reported in the literature in individuals affected with LMNA-related conditions. This variant is not present in population databases (gnomAD no frequency).

Literature cited by the submitters: PubMed 18585512 (cited by Labcorp Genetics (formerly Invitae), Labcorp); PubMed 18926329 (cited by Labcorp Genetics (formerly Invitae), Labcorp).